The following is an entry in ClinVar:

NM_001429.4(EP300):c.7003C>T (p.Pro2335Ser)

Gene: EP300 (E1A binding protein p300; plus strand). Cytogenetic location: 22q13.2.
Variant type: single nucleotide variant.
Coding change: c.7003C>T on transcript NM_001429.4 (MANE Select); coding-DNA position 7003, C replaced by T.
Protein change: p.Pro2335Ser; replaces proline 2335 with serine.
Molecular consequence: missense variant.
Genome position (GRCh38, 1-based): chr22:41,178,714, C>T. VCF-style: chr22-41178714-C-T. GRCh37 (hg19) VCF-style: chr22-41574718-C-T.
Other names: c.6925C>T, p.Pro2309Ser (NM_001362843.2); short protein forms P2309S, P2335S.
Identifiers: ClinVar variation 3357325 (VCV003357325.1).
Genomic context (GRCh38, chr22:41,178,714, plus strand): 5'-TCTCCACGGCCACAGTCCCAGCCCCCCCACTCCAGTCCTTCCCCAAGGATGCAGCCTCAG[C>T]CTTCTCCACACCACGTTTCCCCACAGACAAGTTCCCCACATCCTGGACTGGTAGCTGCCC-3'
Protein context (NP_001420.2, residues 2325-2345): SSPSPRMQPQ[Pro2335Ser]SPHHVSPQTS

ClinVar aggregate classification (germline): Uncertain significance (0 of 4 stars; one submission).

Conditions:
EP300-related disorder. Also called: EP300-related disorders; EP300-related condition.

gnomAD v4.1: 7 of 1,614,076 alleles (0.00043%); highest among the groups gnomAD compares: East Asian, 0.0022%; no homozygotes.

Submission:

PreventionGenetics, part of Exact Sciences
Classification: Uncertain significance for EP300-related condition. Last evaluated: 2024-09-20. Review status: no assertion criteria provided. Collection method: clinical testing. Allele origin: germline.
Comment: The EP300 c.7003C>T variant is predicted to result in the amino acid substitution p.Pro2335Ser. To our knowledge, this variant has not been reported in the literature. This variant is reported in 0.0018% of alleles in individuals of European (Non-Finnish) descent in gnomAD. At this time, the clinical significance of this variant is uncertain due to the absence of conclusive functional and genetic evidence.